The following is an entry in ClinVar:

ClinVar aggregate classification (germline): Uncertain significance (1 of 4 stars; one submission).

gnomAD v4.1: 8 of 1,614,088 alleles (0.0005%); highest among the groups gnomAD compares: South Asian, 0.0022%; no homozygotes.

Submission:

Labcorp Genetics (formerly Invitae), Labcorp
Classification: Uncertain significance. Last evaluated: 2024-10-24. Review status: criteria provided, single submitter. Criteria: Invitae Variant Classification Sherloc (09022015). Collection method: clinical testing. Allele origin: germline.
Comment: This sequence change replaces arginine, which is basic and polar, with histidine, which is basic and polar, at codon 134 of the MBTPS1 protein (p.Arg134His). This variant is present in population databases (rs761436859, gnomAD 0.003%). This variant has not been reported in the literature in individuals affected with MBTPS1-related conditions. ClinVar contains an entry for this variant (Variation ID: 2078857). An algorithm developed to predict the effect of missense changes on protein structure and function (PolyPhen-2) suggests that this variant is likely to be disruptive. In summary, the available evidence is currently insufficient to determine the role of this variant in disease. Therefore, it has been classified as a Variant of Uncertain Significance.

NM_003791.4(MBTPS1):c.401G>A (p.Arg134His)

Gene: MBTPS1 (membrane bound transcription factor peptidase, site 1; minus strand). Cytogenetic location: 16q23.3.
Variant type: single nucleotide variant.
Coding change: c.401G>A on transcript NM_003791.4 (MANE Select); coding-DNA position 401, G replaced by A.
Protein change: p.Arg134His; replaces arginine 134 with histidine.
Molecular consequence: missense variant.
Genome position (GRCh38, 1-based): chr16:84,099,073, C>T on the plus strand (G>A on the coding strand, the complement: MBTPS1 is on the minus strand). VCF-style: chr16-84099073-C-T. GRCh37 (hg19) VCF-style: chr16-84132678-C-T.
Other names: short protein forms R134H.
Identifiers: ClinVar variation 2078857 (VCV002078857.2), dbSNP rs761436859, ClinGen allele CA8201798.